The following is an entry in ClinVar:

NM_002168.4(IDH2):c.1022C>A (p.Thr341Lys)

Gene: IDH2 (isocitrate dehydrogenase (NADP(+)) 2; minus strand). Cytogenetic location: 15q26.1.
Variant type: single nucleotide variant.
Coding change: c.1022C>A on transcript NM_002168.4 (MANE Select); coding-DNA position 1022, C replaced by A.
Protein change: p.Thr341Lys; replaces threonine 341 with lysine.
Molecular consequence: missense variant.
Genome position (GRCh38, 1-based): chr15:90,085,333, G>T on the plus strand (C>A on the coding strand, the complement: IDH2 is on the minus strand). VCF-style: chr15-90085333-G-T. GRCh37 (hg19) VCF-style: chr15-90628565-G-T.
Other names: c.866C>A, p.Thr289Lys (NM_001289910.1); c.632C>A, p.Thr211Lys (NM_001290114.2); short protein forms T211K, T289K, T341K.
Identifiers: ClinVar variation 2014624 (VCV002014624.4), dbSNP rs1036260002, ClinGen allele CA393819068.

ClinVar aggregate classification (germline): Uncertain significance (1 of 4 stars; one submission).

Conditions:
D-2-hydroxyglutaric aciduria 2 (D2HGA2). Identifiers: Orphanet 79315, MedGen C3150909, MONDO:0013345, OMIM 613657.

Submission:

Labcorp Genetics (formerly Invitae), Labcorp
Classification: Uncertain significance for D-2-hydroxyglutaric aciduria 2. Last evaluated: 2022-07-06. Review status: criteria provided, single submitter. Criteria: Invitae Variant Classification Sherloc (09022015). Collection method: clinical testing. Allele origin: germline.
Comment: This sequence change replaces threonine, which is neutral and polar, with lysine, which is basic and polar, at codon 341 of the IDH2 protein (p.Thr341Lys). This variant is not present in population databases (gnomAD no frequency). This variant has not been reported in the literature in individuals affected with IDH2-related conditions. Algorithms developed to predict the effect of missense changes on protein structure and function are either unavailable or do not agree on the potential impact of this missense change (SIFT: "Deleterious"; PolyPhen-2: "Probably Damaging"; Align-GVGD: "Class C15"). In summary, the available evidence is currently insufficient to determine the role of this variant in disease. Therefore, it has been classified as a Variant of Uncertain Significance.